The following is an entry in ClinVar:

ClinVar aggregate classification (germline): Likely pathogenic. Review status: criteria provided, multiple submitters, no conflicts (2 of 4 stars). 3 submissions from 3 submitters: Likely pathogenic (3). Last evaluated 2025-07-21.

Conditions:
Cardiovascular phenotype. Identifiers: MedGen CN230736.
Dilated cardiomyopathy 1G (CMD1G). Identifiers: Orphanet 154, MedGen C1858763, MONDO:0011400, OMIM 604145.
Autosomal recessive limb-girdle muscular dystrophy type 2J (LGMDR10). Also called: Limb-girdle muscular dystrophy, type 2J; MUSCULAR DYSTROPHY, LIMB-GIRDLE, AUTOSOMAL RECESSIVE 10. Identifiers: Orphanet 140922, MedGen C1837342, MONDO:0012127, OMIM 608807.

Allele frequency attached by ClinVar (database versions not stated): TOPMed below 0.00001.

Submissions (3):

Labcorp Genetics (formerly Invitae), Labcorp
Classification: Likely pathogenic for Dilated cardiomyopathy 1G; Autosomal recessive limb-girdle muscular dystrophy type 2J. Last evaluated: 2025-07-21. Review status: criteria provided, single submitter. Criteria: Invitae Variant Classification Sherloc (09022015). Collection method: clinical testing. Allele origin: germline.
Comment: This sequence change creates a premature translational stop signal (p.Gln31113*) in the TTN gene. While this is not anticipated to result in nonsense mediated decay, it is expected to create a truncated TTN protein. This variant is not present in population databases (gnomAD no frequency). This premature translational stop signal has been observed in individual(s) with autosomal recessive TTN-related muscular dystrophy and/or dilated cardiomyopathy (internal data). ClinVar contains an entry for this variant (Variation ID: 963853). This variant is located in the A band of TTN (PMID: 25589632). Truncating variants in this region are significantly overrepresented in patients affected with dilated cardiomyopathy (PMID: 25589632). Truncating variants in this region have also been reported in individuals affected with autosomal recessive centronuclear myopathy (PMID: 23975875). In summary, the currently available evidence indicates that the variant is pathogenic, but additional data are needed to prove that conclusively. Therefore, this variant has been classified as Likely Pathogenic.

Ambry Genetics
Classification: Likely pathogenic for Cardiovascular phenotype. Last evaluated: 2024-12-20. Review status: criteria provided, single submitter. Criteria: Ambry Variant Classification Scheme 2023. Collection method: clinical testing. Allele origin: germline.
Comment: The c.66142C>T (p.Q22048*) alteration, located in exon 167 (coding exon 166) of the TTN gene, consists of a C to T substitution at nucleotide position 66142. This changes the amino acid from a glutamine (Q) to a stop codon at amino acid position 22048. This alteration is expected to result in loss of function by premature protein truncation or nonsense-mediated mRNA decay. This variant was not reported in population-based cohorts in the Genome Aggregation Database (gnomAD). This exon is located in the A-band region of the N2-B isoform of the titin protein and is constitutively expressed in TTN transcripts (percent spliced in or PSI 100%). Based on the available evidence, this alteration is classified as likely pathogenic.

Clinical Genetics Service, Universitary Hospital 12 de Octubre
Classification: Likely pathogenic for Dilated cardiomyopathy 1G. Review status: criteria provided, single submitter. Criteria: ACMG Guidelines, 2015. Collection method: clinical testing. Allele origin: germline. Affected: yes.

Literature cited by the submitters: PubMed 25589632 (cited by Labcorp Genetics (formerly Invitae), Labcorp); PubMed 23975875 (cited by Labcorp Genetics (formerly Invitae), Labcorp).

NM_001267550.2(TTN):c.93337C>T (p.Gln31113Ter)

Genes: TTN (titin; minus strand), TTN-AS1 (TTN antisense RNA 1; plus strand). Cytogenetic location: 2q31.2.
Variant type: single nucleotide variant.
Coding change: c.93337C>T on transcript NM_001267550.2 (MANE Select); coding-DNA position 93337, C replaced by T.
Protein change: p.Gln31113Ter; replaces glutamine 31113 with a stop codon.
Molecular consequence: nonsense.
Genome position (GRCh38, 1-based): chr2:178,548,289, G>A on the plus strand (C>T on the coding strand, the complement: TTN is on the minus strand). VCF-style: chr2-178548289-G-A. GRCh37 (hg19) VCF-style: chr2-179413016-G-A.
Other names: c.88414C>T, p.Gln29472Ter (NM_001256850.1); c.66142C>T, p.Gln22048Ter (NM_003319.4); c.85633C>T, p.Gln28545Ter (NM_133378.4); c.66517C>T, p.Gln22173Ter (NM_133432.3); c.66718C>T, p.Gln22240Ter (NM_133437.4); short protein forms Q22048*, Q22240*, Q28545*, Q31113*, Q22173*, Q29472*.
Identifiers: ClinVar variation 963853 (VCV000963853.13), dbSNP rs1454572839, ClinGen allele CA349486046.